The following is an entry in ClinVar:

ClinVar aggregate classification (germline): Uncertain significance. Review status: criteria provided, multiple submitters, no conflicts (2 of 4 stars). 2 submissions from 2 submitters: Uncertain significance (2). Last evaluated 2025-09-28.

Conditions:
Colorectal cancer, hereditary nonpolyposis, type 7. Identifiers: Orphanet 144, MedGen C1858380, MONDO:0013725, OMIM 614385.

Allele frequency attached by ClinVar (database versions not stated): ExAC 0.00001.
gnomAD v4.1: 2 of 1,613,614 alleles (0.00012%); highest among the groups gnomAD compares: Non-Finnish European, 0.00017%; no homozygotes.

Submissions (2):

Labcorp Genetics (formerly Invitae), Labcorp
Classification: Uncertain significance for Colorectal cancer, hereditary nonpolyposis, type 7. Last evaluated: 2025-09-28. Review status: criteria provided, single submitter. Criteria: Invitae Variant Classification Sherloc (09022015). Collection method: clinical testing. Allele origin: germline.
Comment: This sequence change replaces histidine, which is basic and polar, with tyrosine, which is neutral and polar, at codon 611 of the MLH3 protein (p.His611Tyr). This variant is present in population databases (rs756485038, gnomAD 0.0009%). This variant has not been reported in the literature in individuals affected with MLH3-related conditions. ClinVar contains an entry for this variant (Variation ID: 1780964). An algorithm developed to predict the effect of missense changes on protein structure and function (PolyPhen-2) suggests that this variant is likely to be disruptive. In summary, the available evidence is currently insufficient to determine the role of this variant in disease. Therefore, it has been classified as a Variant of Uncertain Significance.

Ambry Genetics
Classification: Uncertain significance. Last evaluated: 2025-09-21. Review status: criteria provided, single submitter. Criteria: Ambry Variant Classification Scheme 2023. Collection method: clinical testing. Allele origin: germline.
Comment: The p.H611Y variant (also known as c.1831C>T), located in coding exon 1 of the MLH3 gene, results from a C to T substitution at nucleotide position 1831. The histidine at codon 611 is replaced by tyrosine, an amino acid with similar properties. This amino acid position is conserved. In addition, the in silico prediction for this alteration is inconclusive. Since supporting evidence is limited at this time, the clinical significance of this alteration remains unclear.

NM_001040108.2(MLH3):c.1831C>T (p.His611Tyr)

Gene: MLH3 (mutL homolog 3; minus strand). Cytogenetic location: 14q24.3.
Variant type: single nucleotide variant.
Coding change: c.1831C>T on transcript NM_001040108.2 (MANE Select); coding-DNA position 1831, C replaced by T.
Protein change: p.His611Tyr; replaces histidine 611 with tyrosine.
Molecular consequence: missense variant.
Genome position (GRCh38, 1-based): chr14:75,047,825, G>A on the plus strand (C>T on the coding strand, the complement: MLH3 is on the minus strand). VCF-style: chr14-75047825-G-A. GRCh37 (hg19) VCF-style: chr14-75514528-G-A.
Other names: c.1831C>T, p.His611Tyr (NM_014381.3); short protein forms H611Y.
Identifiers: ClinVar variation 1780964 (VCV001780964.5), dbSNP rs756485038, ClinGen allele CA7275809.